The following is an entry in ClinVar:

NM_020822.3(KCNT1):c.3502+17C>T

Gene: KCNT1 (potassium sodium-activated channel subfamily T member 1; plus strand). Cytogenetic location: 9q34.3.
Variant type: single nucleotide variant.
Coding change: c.3502+17C>T on transcript NM_020822.3 (MANE Select); 17 bases into the intron after coding-DNA position 3502, C replaced by T.
Molecular consequence: intron variant.
Genome position (GRCh38, 1-based): chr9:135,786,538, C>T. VCF-style: chr9-135786538-C-T. GRCh37 (hg19) VCF-style: chr9-138678384-C-T.
Other names: c.3367+17C>T (NM_001272003.2).
Identifiers: ClinVar variation 384729 (VCV000384729.12), dbSNP rs767500906, ClinGen allele CA5327839.
Genomic context (GRCh38, chr9:135,786,538, plus strand): 5'-GAAGAACCGCATGAAGCACCTGGGGCTGCCCACCACCGGCTACGGTAAGGGCACACGGCG[C>T]GGGTGGGGGCCGGACGGACGGACTGGGCCAGGGTCGGGCCACAGCCAAGAACAGTCGGCC-3'

ClinVar aggregate classification (germline): Benign/Likely benign. Review status: criteria provided, multiple submitters, no conflicts (2 of 4 stars). 6 submissions from 5 submitters: Benign (3); Likely benign (3). Last evaluated 2025-12-22.

Conditions:
Autosomal dominant nocturnal frontal lobe epilepsy 5. Also called: KCNT1-Related Epilepsy; CILIARY DYSKINESIA, PRIMARY, 28, WITHOUT SITUS INVERSUS; CILIARY DYSKINESIA, PRIMARY, 28, WITH SITUS INVERSUS; Epilepsy, nocturnal frontal lobe, 5. Identifiers: Orphanet 98784, MedGen C3554306, MONDO:0014002, OMIM 615005.
Developmental and epileptic encephalopathy, 14 (DEE14). Also called: Early infantile epileptic encephalopathy 14. Identifiers: Orphanet 293181, MedGen C3554195, MONDO:0013989, OMIM 614959.

Allele frequency attached by ClinVar (database versions not stated): gnomAD 0.00005 and 0.00007; TOPMed 0.00007; gnomAD exomes 0.00011 and 0.00021; ExAC 0.00036.
gnomAD v4.1: 171 of 1,566,128 alleles (0.011%); highest among the groups gnomAD compares: South Asian, 0.062%; no homozygotes.

Submissions (6):

Labcorp Genetics (formerly Invitae), Labcorp
Classification: Benign for Autosomal dominant nocturnal frontal lobe epilepsy 5; Developmental and epileptic encephalopathy, 14. Last evaluated: 2025-12-22. Review status: criteria provided, single submitter. Criteria: Invitae Variant Classification Sherloc (09022015). Collection method: clinical testing. Allele origin: germline.

Blueprint Genetics
Classification: Likely benign. Last evaluated: 2024-08-17. Review status: criteria provided, single submitter. Criteria: ACMG Guidelines, 2015. Collection method: clinical testing. Allele origin: germline.

Genome-Nilou Lab
Classification: Benign for Developmental and epileptic encephalopathy, 14. Last evaluated: 2022-03-15. Review status: criteria provided, single submitter. Criteria: ACMG Guidelines, 2015. Collection method: clinical testing. Allele origin: germline. Affected: no.

Genome-Nilou Lab
Classification: Benign for Autosomal dominant nocturnal frontal lobe epilepsy 5. Last evaluated: 2022-03-15. Review status: criteria provided, single submitter. Criteria: ACMG Guidelines, 2015. Collection method: clinical testing. Allele origin: germline. Affected: no.

GeneDx
Classification: Likely benign. Last evaluated: 2018-02-22. Review status: criteria provided, single submitter. Criteria: GeneDx Variant Classification (06012015). Collection method: clinical testing. Allele origin: germline. Affected: yes.
Comment: This variant is considered likely benign or benign based on one or more of the following criteria: it is a conservative change, it occurs at a poorly conserved position in the protein, it is predicted to be benign by multiple in silico algorithms, and/or has population frequency not consistent with disease.

Breakthrough Genomics
Classification: Likely benign. Review status: criteria provided, single submitter. Criteria: ACMG Guidelines, 2015. Collection method: not provided. Allele origin: germline. Inheritance: Autosomal dominant inheritance. Affected: yes.